The following is an entry in ClinVar:

ClinVar aggregate classification (germline): Conflicting classifications of pathogenicity. Review status: criteria provided, conflicting classifications (1 of 4 stars). 2 submissions from 2 submitters: Uncertain significance (1); Likely benign (1). Last evaluated 2025-07-08.

Conditions:
Familial thoracic aortic aneurysm and aortic dissection (TAAD). Also called: Thoracic aortic aneurysms and dissections. Identifiers: Orphanet 91387, MedGen C4707243, MONDO:0019625.
Shprintzen-Goldberg syndrome (SGS). Also called: SHPRINTZEN-GOLDBERG CRANIOSYNOSTOSIS SYNDROME; CRANIOSYNOSTOSIS WITH ARACHNODACTYLY AND ABDOMINAL HERNIAS; Marfanoid disorder with craniosynostosis type 1; Marfanoid craniosynostosis syndrome; Shprintzen-Goldberg marfanoid syndrome. Identifiers: Orphanet 2462, MedGen C1321551, MONDO:0008426, OMIM 182212.

Allele frequency attached by ClinVar (database versions not stated): gnomAD exomes below 0.00001.
gnomAD v4.1: 4 of 1,554,496 alleles (0.00026%); highest among the groups gnomAD compares: South Asian, 0.0012%; no homozygotes.

Submissions (2):

Labcorp Genetics (formerly Invitae), Labcorp
Classification: Likely benign for Shprintzen-Goldberg syndrome. Last evaluated: 2025-07-08. Review status: criteria provided, single submitter. Criteria: Invitae Variant Classification Sherloc (09022015). Collection method: clinical testing. Allele origin: germline.

Ambry Genetics
Classification: Uncertain significance for Familial thoracic aortic aneurysm and aortic dissection. Last evaluated: 2023-04-16. Review status: criteria provided, single submitter. Criteria: Ambry Variant Classification Scheme 2023. Collection method: clinical testing. Allele origin: germline.
Comment: The p.D533N variant (also known as c.1597G>A), located in coding exon 5 of the SKI gene, results from a G to A substitution at nucleotide position 1597. The aspartic acid at codon 533 is replaced by asparagine, an amino acid with highly similar properties. This amino acid position is conserved. In addition, this alteration is predicted to be tolerated by in silico analysis. Since supporting evidence is limited at this time, the clinical significance of this alteration remains unclear.

NM_003036.4(SKI):c.1597G>A (p.Asp533Asn)

Gene: SKI (SKI proto-oncogene; plus strand). Cytogenetic location: 1p36.32.
Variant type: single nucleotide variant.
Coding change: c.1597G>A on transcript NM_003036.4 (MANE Select); coding-DNA position 1597, G replaced by A.
Protein change: p.Asp533Asn; replaces aspartic acid 533 with asparagine.
Molecular consequence: missense variant.
Genome position (GRCh38, 1-based): chr1:2,304,415, G>A. VCF-style: chr1-2304415-G-A. GRCh37 (hg19) VCF-style: chr1-2235854-G-A.
Other names: short protein forms D533N.
Identifiers: ClinVar variation 2566891 (VCV002566891.3), dbSNP rs1410289192, ClinGen allele CA337957366.
Genomic context (GRCh38, chr1:2,304,415, plus strand): 5'-CTGGGCTCCCCGGGTGCGCGTGCCCTGCCCTCGGCCGTCCCTGATGCTGCGGCCCCTGCC[G>A]ACGCCCCCAGTGGGCTGGAGGCGGAGCTGGAGCACCTGCGGCAGGCACTGGAGGGCGGCC-3'
Protein context (NP_003027.1, residues 523-543): SAVPDAAAPA[Asp533Asn]APSGLEAELE